The following is an entry in ClinVar:

NM_001394062.1(MACF1):c.3450G>A (p.Lys1150=)

Gene: MACF1 (microtubule actin crosslinking factor 1; plus strand). Cytogenetic location: 1p34.3.
Variant type: single nucleotide variant.
Coding change: c.3450G>A on transcript NM_001394062.1 (MANE Select); coding-DNA position 3450, G replaced by A.
Protein change: p.Lys1150=; no amino-acid change (lysine 1150 retained).
Molecular consequence: synonymous variant.
Genome position (GRCh38, 1-based): chr1:39,316,391, G>A. VCF-style: chr1-39316391-G-A. GRCh37 (hg19) VCF-style: chr1-39782063-G-A.
Other names: c.3465G>A, p.Lys1155= (NM_012090.5).
Identifiers: ClinVar variation 983011 (VCV000983011.7), dbSNP rs147586507, ClinGen allele CA779986.
Genomic context (GRCh38, chr1:39,316,391, plus strand): 5'-ATATAACCCTGGCTCCTAAAATTCATGTGTTAATGAAGGAATGTGTATTTGTCCCCACAG[G>A]TTAAAGACAGTTGATGTTATAGTACGTAGCATACAGGATGCTGAACTCTTGGTCAAAGGT-3'
Protein context (NP_001380991.1, residues 1140-1160): VYGLSTVYLN[Lys1150=]LKTVDVIVRS

ClinVar aggregate classification (germline): Conflicting classifications of pathogenicity. Review status: criteria provided, conflicting classifications (1 of 4 stars). 4 submissions from 4 submitters: Uncertain significance (2); Benign (1); Likely benign (1). Last evaluated 2026-01-19.

Conditions:
Lissencephaly 9 with complex brainstem malformation. Identifiers: Orphanet 572013, MedGen C5193029, MONDO:0032677, OMIM 618325.

Allele frequency attached by ClinVar (database versions not stated): ESP Exome Variant Server 0.00015; ExAC 0.00293; gnomAD 0.00361 and 0.00379; gnomAD exomes 0.00372; 1000 Genomes Project 30x 0.00453; TOPMed 0.00460; 1000 Genomes Project 0.00479.
gnomAD v4.1: 2,975 of 1,608,998 alleles (0.18%); highest among the groups gnomAD compares: Admixed American, 2.2%; 40 homozygotes.

Submissions (4):

Labcorp Genetics (formerly Invitae), Labcorp
Classification: Benign. Last evaluated: 2026-01-19. Review status: criteria provided, single submitter. Criteria: Invitae Variant Classification Sherloc (09022015). Collection method: clinical testing. Allele origin: germline.

Genome-Nilou Lab
Classification: Likely benign for Lissencephaly 9 with complex brainstem malformation. Last evaluated: 2023-04-11. Review status: criteria provided, single submitter. Criteria: ACMG Guidelines, 2015. Collection method: clinical testing. Allele origin: germline. Affected: no.

Institute of Human Genetics, University of Leipzig Medical Center
Classification: Uncertain significance for Lissencephaly 9 with complex brainstem malformation. Last evaluated: 2019-01-01. Review status: criteria provided, single submitter. Criteria: ACMG Guidelines, 2015. Collection method: clinical testing. Allele origin: unknown. Affected: no.
Comment: This variant was identified as compound heterozygous.

Breakthrough Genomics
Classification: Uncertain significance. Review status: criteria provided, single submitter. Criteria: ACMG Guidelines, 2015. Collection method: not provided. Allele origin: germline. Inheritance: Autosomal dominant inheritance. Affected: yes.